The following is an entry in ClinVar:

NM_001199753.2(CPT1C):c.943C>T (p.Arg315Trp)

Gene: CPT1C (carnitine palmitoyltransferase 1C; plus strand). Cytogenetic location: 19q13.33.
Variant type: single nucleotide variant.
Coding change: c.943C>T on transcript NM_001199753.2 (MANE Select); coding-DNA position 943, C replaced by T.
Protein change: p.Arg315Trp; replaces arginine 315 with tryptophan.
Molecular consequence: missense variant. On other transcripts: non-coding transcript variant (1).
Genome position (GRCh38, 1-based): chr19:49,705,277, C>T. VCF-style: chr19-49705277-C-T. GRCh37 (hg19) VCF-style: chr19-50208534-C-T.
Other names: c.910C>T, p.Arg304Trp (NM_001136052.3, NM_001378485.1, NM_001378487.1); c.943C>T, p.Arg315Trp (NM_001199752.3, NM_001378483.1, NM_001378484.1 and 3 more transcripts); c.1009C>T, p.Arg337Trp (NM_001378482.1); short protein forms R304W, R315W, R337W.
Identifiers: ClinVar variation 3669538 (VCV003669538.2).

ClinVar aggregate classification (germline): Uncertain significance (1 of 4 stars; one submission).

Conditions:
Hereditary spastic paraplegia 73. Also called: Spastic paraplegia 73, autosomal dominant. Identifiers: Orphanet 444099, MedGen C5568981, MONDO:0014568, OMIM 616282.

gnomAD v4.1: 15 of 1,603,022 alleles (0.00094%); highest among the groups gnomAD compares: Admixed American, 0.0067%; no homozygotes.

Submission:

Labcorp Genetics (formerly Invitae), Labcorp
Classification: Uncertain significance for Hereditary spastic paraplegia 73. Last evaluated: 2024-06-10. Review status: criteria provided, single submitter. Criteria: Invitae Variant Classification Sherloc (09022015). Collection method: clinical testing. Allele origin: germline.
Comment: This sequence change replaces arginine, which is basic and polar, with tryptophan, which is neutral and slightly polar, at codon 304 of the CPT1C protein (p.Arg304Trp). This variant is present in population databases (rs563116091, gnomAD 0.007%). This variant has not been reported in the literature in individuals affected with CPT1C-related conditions. Advanced modeling of protein sequence and biophysical properties (such as structural, functional, and spatial information, amino acid conservation, physicochemical variation, residue mobility, and thermodynamic stability) performed at Invitae indicates that this missense variant is expected to disrupt CPT1C protein function with a positive predictive value of 80%. In summary, the available evidence is currently insufficient to determine the role of this variant in disease. Therefore, it has been classified as a Variant of Uncertain Significance.